The following is an entry in ClinVar:

NM_000260.4(MYO7A):c.380T>C (p.Ile127Thr)

Gene: MYO7A (myosin VIIA; plus strand). Cytogenetic location: 11q13.5.
Variant type: single nucleotide variant.
Coding change: c.380T>C on transcript NM_000260.4 (MANE Select); coding-DNA position 380, T replaced by C.
Protein change: p.Ile127Thr; replaces isoleucine 127 with threonine.
Molecular consequence: missense variant.
Genome position (GRCh38, 1-based): chr11:77,156,001, T>C. VCF-style: chr11-77156001-T-C. GRCh37 (hg19) VCF-style: chr11-76867047-T-C.
Other names: c.380T>C, p.Ile127Thr (NM_001127180.2); c.347T>C, p.Ile116Thr (NM_001369365.1); short protein forms I127T, I116T.
Identifiers: ClinVar variation 43224 (VCV000043224.30), dbSNP rs41298131, ClinGen allele CA132306.

ClinVar aggregate classification (germline): Conflicting classifications of pathogenicity. Review status: criteria provided, conflicting classifications (1 of 4 stars). 10 submissions from 8 submitters: Uncertain significance (7); Likely benign (1). 2 of the submissions do not count toward it. Last evaluated 2026-04-28.

Conditions:
Usher syndrome type 1 (USH1). Also called: RETINITIS PIGMENTOSA AND CONGENITAL DEAFNESS. Identifiers: Orphanet 231169, Orphanet 886, MedGen C1568247, MONDO:0010168, OMIM 276900.
Autosomal recessive nonsyndromic hearing loss 2. Also called: NEUROSENSORY NONSYNDROMIC RECESSIVE DEAFNESS 2; DEAFNESS, AUTOSOMAL RECESSIVE 2. Identifiers: Orphanet 90636, MedGen C1838701, MONDO:0010807, OMIM 600060.
MYO7A-related disorder. Also called: MYO7A-related disorders.
Autosomal dominant nonsyndromic hearing loss 11. Identifiers: Orphanet 90635, MedGen C1832475, MONDO:0011032, OMIM 601317.

Allele frequency attached by ClinVar (database versions not stated): ExAC 0.00011; gnomAD exomes 0.00013 and 0.00007; TOPMed 0.00007; gnomAD 0.00009 and 0.00010; ESP Exome Variant Server 0.00024.
gnomAD v4.1: 209 of 1,613,764 alleles (0.013%); highest among the groups gnomAD compares: Non-Finnish European, 0.016%; no homozygotes.

Submissions (10):

GeneDx
Classification: Uncertain significance. Last evaluated: 2026-04-28. Review status: criteria provided, single submitter. Criteria: GeneDx Variant Classification Process June 2021. Collection method: clinical testing. Allele origin: germline.
Comment: In silico analysis supports that this missense variant has a deleterious effect on protein structure/function; Has not been previously published as pathogenic or benign to our knowledge

CeGaT Center for Human Genetics Tuebingen
Classification: Uncertain significance. Last evaluated: 2025-09-01. Review status: criteria provided, single submitter. Criteria: CeGaT Center For Human Genetics Tuebingen Variant Classification Criteria Version 2. Collection method: clinical testing. Allele origin: germline. Affected: yes. Observed: 1 variant allele.
Comment: MYO7A: PM2, PP3

Labcorp Genetics (formerly Invitae), Labcorp
Classification: Likely benign. Last evaluated: 2025-08-23. Review status: criteria provided, single submitter. Criteria: Invitae Variant Classification Sherloc (09022015). Collection method: clinical testing. Allele origin: germline.

Blueprint Genetics
Classification: Uncertain significance. Last evaluated: 2024-07-09. Review status: criteria provided, single submitter. Criteria: ACMG Guidelines, 2015. Collection method: clinical testing. Allele origin: germline.

Illumina Laboratory Services, Illumina
Classification: Uncertain significance for Autosomal dominant nonsyndromic hearing loss 11. Last evaluated: 2018-01-12. Review status: criteria provided, single submitter. Criteria: ICSL Variant Classification Criteria 13 December 2019. Collection method: clinical testing. Allele origin: germline.

Illumina Laboratory Services, Illumina
Classification: Uncertain significance for Usher syndrome type 1. Last evaluated: 2018-01-12. Review status: criteria provided, single submitter. Criteria: ICSL Variant Classification Criteria 13 December 2019. Collection method: clinical testing. Allele origin: germline.

Illumina Laboratory Services, Illumina
Classification: Uncertain significance for Autosomal recessive nonsyndromic hearing loss 2. Last evaluated: 2018-01-12. Review status: criteria provided, single submitter. Criteria: ICSL Variant Classification Criteria 13 December 2019. Collection method: clinical testing. Allele origin: germline.

Laboratory for Molecular Medicine, Mass General Brigham Personalized Medicine
Classification: Uncertain significance. Last evaluated: 2014-12-10. Review status: criteria provided, single submitter. Criteria: LMM Criteria. Collection method: clinical testing. Allele origin: germline. Observed: 1 variant allele.
Comment: proposed classification - variant undergoing re-assessment, contact laboratory

PreventionGenetics, part of Exact Sciences
Classification: Uncertain significance for MYO7A-related condition. Last evaluated: 2024-08-06. Review status: no assertion criteria provided. Collection method: clinical testing. Allele origin: germline. Not counted in ClinVar's aggregate classification.
Comment: The MYO7A c.380T>C variant is predicted to result in the amino acid substitution p.Ile127Thr. To our knowledge, this variant has not been reported in the literature. This variant is reported in 0.014% of alleles in individuals of European (Non-Finnish) descent in gnomAD. At this time, the clinical significance of this variant is uncertain due to the absence of conclusive functional and genetic evidence.

Counsyl
Classification: Uncertain significance for Usher syndrome type 1; Autosomal recessive nonsyndromic hearing loss 2. Last evaluated: 2017-01-31. Review status: no assertion criteria provided. Collection method: clinical testing. Allele origin: unknown. Not counted in ClinVar's aggregate classification.